The following is an entry in ClinVar:

ClinVar aggregate classification (germline): Uncertain significance. Review status: criteria provided, multiple submitters, no conflicts (2 of 4 stars). 2 submissions from 2 submitters: Uncertain significance (2). Last evaluated 2025-09-10.

Conditions:
Primary ciliary dyskinesia. Also called: Ciliary dyskinesia. Identifiers: Orphanet 244, MedGen C0008780, MONDO:0016575, HP:0012265.

Allele frequency attached by ClinVar (database versions not stated): gnomAD 0.00003; ExAC 0.00005; ESP Exome Variant Server 0.00015.
gnomAD v4.1: 10 of 1,581,706 alleles (0.00063%); highest among the groups gnomAD compares: African/African-American, 0.012%; no homozygotes.

Submissions (2):

Ambry Genetics
Classification: Uncertain significance for Primary ciliary dyskinesia. Last evaluated: 2025-09-10. Review status: criteria provided, single submitter. Criteria: Ambry Variant Classification Scheme 2023. Collection method: clinical testing. Allele origin: germline.

Labcorp Genetics (formerly Invitae), Labcorp
Classification: Uncertain significance for Primary ciliary dyskinesia. Last evaluated: 2022-09-14. Review status: criteria provided, single submitter. Criteria: Invitae Variant Classification Sherloc (09022015). Collection method: clinical testing. Allele origin: germline.
Comment: This sequence change replaces threonine, which is neutral and polar, with isoleucine, which is neutral and non-polar, at codon 650 of the DNAAF2 protein (p.Thr650Ile). The frequency data for this variant in the population databases is considered unreliable, as metrics indicate poor data quality at this position in the gnomAD database. This variant has not been reported in the literature in individuals affected with DNAAF2-related conditions. Advanced modeling of protein sequence and biophysical properties (such as structural, functional, and spatial information, amino acid conservation, physicochemical variation, residue mobility, and thermodynamic stability) performed at Invitae indicates that this missense variant is not expected to disrupt DNAAF2 protein function. In summary, the available evidence is currently insufficient to determine the role of this variant in disease. Therefore, it has been classified as a Variant of Uncertain Significance.

NM_018139.3(DNAAF2):c.1949C>T (p.Thr650Ile)

Gene: DNAAF2 (dynein axonemal assembly factor 2; minus strand). Cytogenetic location: 14q21.3.
Variant type: single nucleotide variant.
Coding change: c.1949C>T on transcript NM_018139.3 (MANE Select); coding-DNA position 1949, C replaced by T.
Protein change: p.Thr650Ile; replaces threonine 650 with isoleucine.
Molecular consequence: missense variant. On other transcripts: intron variant (2).
Genome position (GRCh38, 1-based): chr14:49,628,070, G>A on the plus strand (C>T on the coding strand, the complement: DNAAF2 is on the minus strand). VCF-style: chr14-49628070-G-A. GRCh37 (hg19) VCF-style: chr14-50094788-G-A.
Other names: c.1949C>T (NM_018139.2); c.1864-2022C>T (NM_001083908.2); c.-204-2022C>T (NM_001378453.1); short protein forms T650I.
Identifiers: ClinVar variation 1977707 (VCV001977707.3), dbSNP rs147299791, ClinGen allele CA7172787.